The following is an entry in ClinVar:

NM_144997.7(FLCN):c.1540A>C (p.Lys514Gln)

Gene: FLCN (folliculin; minus strand). Cytogenetic location: 17p11.2.
Variant type: single nucleotide variant.
Coding change: c.1540A>C on transcript NM_144997.7 (MANE Select); coding-DNA position 1540, A replaced by C.
Protein change: p.Lys514Gln; replaces lysine 514 with glutamine.
Molecular consequence: missense variant.
Genome position (GRCh38, 1-based): chr17:17,213,855, T>G on the plus strand (A>C on the coding strand, the complement: FLCN is on the minus strand). VCF-style: chr17-17213855-T-G. GRCh37 (hg19) VCF-style: chr17-17117169-T-G.
Other names: c.1594A>C, p.Lys532Gln (NM_001353229.2); c.1540A>C, p.Lys514Gln (NM_001353230.2, NM_001353231.2); short protein forms K514Q, K532Q.
Identifiers: ClinVar variation 2810186 (VCV002810186.3), dbSNP rs886041478, ClinGen allele CA398530536.

ClinVar aggregate classification (germline): Uncertain significance (1 of 4 stars; one submission).

Conditions:
Birt-Hogg-Dube syndrome. Also called: Birt Hogg Dubé syndrome. Identifiers: Orphanet 122, MedGen C0346010, MONDO:0800444.

Submission:

Labcorp Genetics (formerly Invitae), Labcorp
Classification: Uncertain significance for Birt-Hogg-Dube syndrome. Last evaluated: 2022-11-15. Review status: criteria provided, single submitter. Criteria: Invitae Variant Classification Sherloc (09022015). Collection method: clinical testing. Allele origin: germline.
Comment: In summary, the available evidence is currently insufficient to determine the role of this variant in disease. Therefore, it has been classified as a Variant of Uncertain Significance. Algorithms developed to predict the effect of missense changes on protein structure and function (SIFT, PolyPhen-2, Align-GVGD) all suggest that this variant is likely to be disruptive. This variant has not been reported in the literature in individuals affected with FLCN-related conditions. This variant is not present in population databases (gnomAD no frequency). This sequence change replaces lysine, which is basic and polar, with glutamine, which is neutral and polar, at codon 514 of the FLCN protein (p.Lys514Gln).